The following is an entry in ClinVar:

NM_001354604.2(MITF):c.762+1G>A

Gene: MITF (melanocyte inducing transcription factor; plus strand). Cytogenetic location: 3p13.
Variant type: single nucleotide variant.
Coding change: c.762+1G>A on transcript NM_001354604.2 (MANE Select); the canonical splice donor site of the intron after coding-DNA position 762, G replaced by A.
Molecular consequence: splice donor variant.
Genome position (GRCh38, 1-based): chr3:69,941,332, G>A. VCF-style: chr3-69941332-G-A. GRCh37 (hg19) VCF-style: chr3-69990483-G-A.
Other names: c.711+1G>A (NM_001354607.2); c.606+1G>A (NM_001354608.2, NM_001184967.2); c.762+1G>A (NM_198159.3); c.759+1G>A (NM_001354605.2, NM_001354606.2, NM_006722.3); c.714+1G>A (NM_198177.3); c.441+1G>A (NM_000248.4, NM_198158.3); c.273+1G>A (NM_198178.3).
Identifiers: ClinVar variation 2949158 (VCV002949158.4), dbSNP rs2471598592, ClinGen allele CA353561230.

ClinVar aggregate classification (germline): Conflicting classifications of pathogenicity. Review status: criteria provided, conflicting classifications (1 of 4 stars). 2 submissions from 2 submitters: Likely pathogenic (1); Uncertain significance (1). Last evaluated 2023-06-22.

Conditions:
Waardenburg syndrome type 2A (WS2A). Also called: WAARDENBURG SYNDROME WITHOUT DYSTOPIA CANTHORUM. Identifiers: Orphanet 3440, MedGen C1860339, MONDO:0008671, OMIM 193510.
Tietz syndrome (TADS). Also called: ALBINISM-DEAFNESS OF TIETZ; HYPOPIGMENTATION/DEAFNESS OF TIETZ; TIETZ ALBINISM-DEAFNESS SYNDROME. Identifiers: Orphanet 42665, MedGen C0391816, MONDO:0007077, OMIM 103500.
Melanoma, cutaneous malignant, susceptibility to, 8. Also called: MELANOMA AND RENAL CELL CARCINOMA, SUSCEPTIBILITY TO; Cutaneous malignant melanoma 8. Identifiers: Orphanet 293822, MedGen C3152204, MONDO:0013759, OMIM 614456.
Coloboma, osteopetrosis, microphthalmia, macrocephaly, albinism, and deafness (COMMAD). Also called: COMMAD syndrome. Identifiers: Orphanet 603494, MedGen C4310625, MONDO:0015014, OMIM 617306.

Submissions (2):

Labcorp Genetics (formerly Invitae), Labcorp
Classification: Likely pathogenic for Melanoma, cutaneous malignant, susceptibility to, 8; Waardenburg syndrome type 2A; Tietz syndrome. Last evaluated: 2023-06-22. Review status: criteria provided, single submitter. Criteria: Invitae Variant Classification Sherloc (09022015). Collection method: clinical testing. Allele origin: germline.
Comment: This variant is not present in population databases (gnomAD no frequency). This sequence change affects a donor splice site in intron 4 of the MITF gene. It is expected to disrupt RNA splicing. Variants that disrupt the donor or acceptor splice site typically lead to a loss of protein function (PMID: 16199547), and loss-of-function variants in MITF are known to be pathogenic (PMID: 8659547, 20127975). This variant has not been reported in the literature in individuals affected with MITF-related conditions. Algorithms developed to predict the effect of sequence changes on RNA splicing suggest that this variant may disrupt the consensus splice site. In summary, the currently available evidence indicates that the variant is pathogenic, but additional data are needed to prove that conclusively. Therefore, this variant has been classified as Likely Pathogenic.

Juno Genomics, Hangzhou Juno Genomics, Inc
Classification: Uncertain significance for Melanoma, cutaneous malignant, susceptibility to, 8; Coloboma, osteopetrosis, microphthalmia, macrocephaly, albinism, and deafness; Tietz syndrome; Waardenburg syndrome type 2A. Review status: criteria provided, single submitter. Criteria: ACMG Guidelines, 2015. Collection method: clinical testing. Allele origin: germline. Affected: yes.
Comment: Absent from controls (or at extremely low frequency if recessive) in Genome Aggregation Database.;Null variant in a gene where loss of function (LOF) is a known mechanism of disease.

Literature cited by the submitters: PubMed 16199547 (cited by Labcorp Genetics (formerly Invitae), Labcorp); PubMed 8659547 (cited by Labcorp Genetics (formerly Invitae), Labcorp); PubMed 20127975 (cited by Labcorp Genetics (formerly Invitae), Labcorp).